The following is an entry in ClinVar:

ClinVar aggregate classification (germline): Uncertain significance (1 of 4 stars; one submission).

gnomAD v4.1: 1 of 1,612,508 alleles (0.000062%); highest among the groups gnomAD compares: African/African-American, 0.0013%; no homozygotes.

Submission:

GeneDx
Classification: Uncertain significance. Last evaluated: 2025-06-03. Review status: criteria provided, single submitter. Criteria: GeneDx Variant Classification Process June 2021. Collection method: clinical testing. Allele origin: germline. Affected: yes.
Comment: Not observed at significant frequency in large population cohorts (gnomAD); In silico analysis suggests that this missense variant does not alter protein structure/function; Has not been previously published as pathogenic or benign to our knowledge

NM_001170629.2(CHD8):c.1672A>G (p.Met558Val)

Gene: CHD8 (chromodomain helicase DNA binding protein 8; minus strand). Cytogenetic location: 14q11.2.
Variant type: single nucleotide variant.
Coding change: c.1672A>G on transcript NM_001170629.2 (MANE Select); coding-DNA position 1672, A replaced by G.
Protein change: p.Met558Val; replaces methionine 558 with valine.
Molecular consequence: missense variant.
Genome position (GRCh38, 1-based): chr14:21,426,172, T>C on the plus strand (A>G on the coding strand, the complement: CHD8 is on the minus strand). VCF-style: chr14-21426172-T-C. GRCh37 (hg19) VCF-style: chr14-21894331-T-C.
Other names: c.835A>G, p.Met279Val (NM_020920.4); short protein forms M279V, M558V.
Identifiers: ClinVar variation 4536272 (VCV004536272.1).